The following is an entry in ClinVar:

ClinVar aggregate classification (germline): Uncertain significance (1 of 4 stars; one submission).

Conditions:
Periodic fever-infantile enterocolitis-autoinflammatory syndrome. Also called: Autoinflammation with infantile enterocolitis. Identifiers: Orphanet 436166, MedGen C4015067, MONDO:0014472, OMIM 616050.
Familial cold autoinflammatory syndrome 4 (FCAS4). Identifiers: Orphanet 47045, Orphanet 576349, MedGen C4015276, MONDO:0014498, OMIM 616115.

gnomAD v4.1: 1 of 1,613,948 alleles (0.000062%); highest among the groups gnomAD compares: Admixed American, 0.0017%; no homozygotes.

Submission:

Labcorp Genetics (formerly Invitae), Labcorp
Classification: Uncertain significance for Periodic fever-infantile enterocolitis-autoinflammatory syndrome; Familial cold autoinflammatory syndrome 4. Last evaluated: 2025-12-26. Review status: criteria provided, single submitter. Criteria: Invitae Variant Classification Sherloc (09022015). Collection method: clinical testing. Allele origin: germline.
Comment: This sequence change replaces proline, which is neutral and non-polar, with serine, which is neutral and polar, at codon 119 of the NLRC4 protein (p.Pro119Ser). This variant is present in population databases (no rsID available, gnomAD 0.003%). This variant has not been reported in the literature in individuals affected with NLRC4-related conditions. Invitae Evidence Modeling of protein sequence and biophysical properties (such as structural, functional, and spatial information, amino acid conservation, physicochemical variation, residue mobility, and thermodynamic stability) has been performed for this missense variant. However, the output from this modeling did not meet the statistical confidence thresholds required to predict the impact of this variant on NLRC4 protein function. In summary, the available evidence is currently insufficient to determine the role of this variant in disease. Therefore, it has been classified as a Variant of Uncertain Significance.

NM_001199138.2(NLRC4):c.355C>T (p.Pro119Ser)

Gene: NLRC4 (NLR family CARD domain containing 4; minus strand). Cytogenetic location: 2p22.3.
Variant type: single nucleotide variant.
Coding change: c.355C>T on transcript NM_001199138.2 (MANE Select); coding-DNA position 355, C replaced by T.
Protein change: p.Pro119Ser; replaces proline 119 with serine.
Molecular consequence: missense variant. On other transcripts: intron variant (1).
Genome position (GRCh38, 1-based): chr2:32,251,509, G>A on the plus strand (C>T on the coding strand, the complement: NLRC4 is on the minus strand). VCF-style: chr2-32251509-G-A. GRCh37 (hg19) VCF-style: chr2-32476578-G-A.
Other names: c.355C>T, p.Pro119Ser (NM_001199139.2, NM_021209.5); c.262+910C>T (NM_001302504.1); short protein forms P119S.
Identifiers: ClinVar variation 4791966 (VCV004791966.1).